The following is an entry in ClinVar:

NM_003560.4(PLA2G6):c.344G>A (p.Arg115His)

Gene: PLA2G6 (phospholipase A2 group VI; minus strand). Cytogenetic location: 22q13.1.
Variant type: single nucleotide variant.
Coding change: c.344G>A on transcript NM_003560.4 (MANE Select); coding-DNA position 344, G replaced by A.
Protein change: p.Arg115His; replaces arginine 115 with histidine.
Molecular consequence: missense variant. On other transcripts: 5 prime UTR variant (3).
Genome position (GRCh38, 1-based): chr22:38,145,519, C>T on the plus strand (G>A on the coding strand, the complement: PLA2G6 is on the minus strand). VCF-style: chr22-38145519-C-T. GRCh37 (hg19) VCF-style: chr22-38541526-C-T.
Other names: c.344G>A, p.Arg115His (NM_001004426.3, NM_001199562.3, NM_001349864.2 and 2 more transcripts); c.-191G>A (NM_001349867.2, NM_001349869.2); c.-147G>A (NM_001349868.2); c.344G>A (NM_003560.2); short protein forms R115H.
Identifiers: ClinVar variation 1038923 (VCV001038923.31), dbSNP rs138040351, ClinGen allele CA10231291.

ClinVar aggregate classification (germline): Uncertain significance. Review status: criteria provided, multiple submitters, no conflicts (2 of 4 stars). 3 submissions from 3 submitters: Uncertain significance (3). Last evaluated 2024-08-29.

Conditions:
Inborn genetic diseases. Identifiers: MedGen C0950123, MeSH D030342.
Infantile neuroaxonal dystrophy (NBIA2A). Also called: Infantile neuroaxonal dystrophy 1; NEURODEGENERATION WITH BRAIN IRON ACCUMULATION 2A; SEITELBERGER DISEASE. Identifiers: Orphanet 35069, MedGen C0270724, MONDO:0024457, OMIM 256600.

Allele frequency attached by ClinVar (database versions not stated): gnomAD 0.00002; TOPMed 0.00002; ExAC 0.00004; gnomAD exomes 0.00004; ESP Exome Variant Server 0.00008.
gnomAD v4.1: 22 of 1,613,060 alleles (0.0014%); highest among the groups gnomAD compares: South Asian, 0.0088%; no homozygotes.

Submissions (3):

Labcorp Genetics (formerly Invitae), Labcorp
Classification: Uncertain significance for Infantile neuroaxonal dystrophy. Last evaluated: 2024-08-29. Review status: criteria provided, single submitter. Criteria: Invitae Variant Classification Sherloc (09022015). Collection method: clinical testing. Allele origin: germline.
Comment: This sequence change replaces arginine, which is basic and polar, with histidine, which is basic and polar, at codon 115 of the PLA2G6 protein (p.Arg115His). This variant is present in population databases (rs138040351, gnomAD 0.02%). This variant has not been reported in the literature in individuals affected with PLA2G6-related conditions. ClinVar contains an entry for this variant (Variation ID: 1038923). Invitae Evidence Modeling of protein sequence and biophysical properties (such as structural, functional, and spatial information, amino acid conservation, physicochemical variation, residue mobility, and thermodynamic stability) indicates that this missense variant is expected to disrupt PLA2G6 protein function with a positive predictive value of 80%. In summary, the available evidence is currently insufficient to determine the role of this variant in disease. Therefore, it has been classified as a Variant of Uncertain Significance.

Ambry Genetics
Classification: Uncertain significance for Inborn genetic diseases. Last evaluated: 2024-06-19. Review status: criteria provided, single submitter. Criteria: Ambry Variant Classification Scheme 2023. Collection method: clinical testing. Allele origin: germline.

CeGaT Center for Human Genetics Tuebingen
Classification: Uncertain significance. Last evaluated: 2023-07-01. Review status: criteria provided, single submitter. Criteria: CeGaT Center For Human Genetics Tuebingen Variant Classification Criteria Version 2. Collection method: clinical testing. Allele origin: germline. Affected: yes. Observed: 1 variant allele.